The following is an entry in ClinVar:

NM_172201.2(KCNE2):c.357C>A (p.Phe119Leu)

Genes: KCNE2 (potassium voltage-gated channel subfamily E regulatory subunit 2; plus strand), LOC105372791 (uncharacterized LOC105372791; minus strand). Cytogenetic location: 21q22.11.
Variant type: single nucleotide variant.
Coding change: c.357C>A on transcript NM_172201.2 (MANE Select); coding-DNA position 357, C replaced by A.
Protein change: p.Phe119Leu; replaces phenylalanine 119 with leucine.
Molecular consequence: missense variant.
Genome position (GRCh38, 1-based): chr21:34,370,835, C>A. VCF-style: chr21-34370835-C-A. GRCh37 (hg19) VCF-style: chr21-35743134-C-A.
Other names: short protein forms F119L.
Identifiers: ClinVar variation 191467 (VCV000191467.10), dbSNP rs139202426, ClinGen allele CA236733.
Genomic context (GRCh38, chr21:34,370,835, plus strand): 5'-AATCTTGAATCTAGAAGAATCGAAGGCCACCATCCATGAGAACATTGGTGCGGCTGGGTT[C>A]AAAATGTCCCCCTGATAAGGGAGAAAGGCACCAAGCTAACATCTGACGTCCAGACATGAA-3'
Protein context (NP_751951.1, residues 109-123): TIHENIGAAG[Phe119Leu]KMSP

ClinVar aggregate classification (germline): Conflicting classifications of pathogenicity. Review status: criteria provided, conflicting classifications (1 of 4 stars). 4 submissions from 4 submitters: Uncertain significance (3); Likely benign (1). Last evaluated 2025-12-23.

Conditions:
Cardiovascular phenotype. Identifiers: MedGen CN230736.
Long QT syndrome 6 (LQT6). Identifiers: Orphanet 101016, Orphanet 768, MedGen C3150953, MONDO:0013370, OMIM 613693.

Allele frequency attached by ClinVar (database versions not stated): gnomAD 0.00001; gnomAD exomes 0.00001; ExAC 0.00002; TOPMed 0.00002.
gnomAD v4.1: 9 of 1,613,890 alleles (0.00056%); highest among the groups gnomAD compares: Admixed American, 0.0017%; no homozygotes.

Submissions (4):

Labcorp Genetics (formerly Invitae), Labcorp
Classification: Uncertain significance for Long QT syndrome 6. Last evaluated: 2025-12-23. Review status: criteria provided, single submitter. Criteria: Invitae Variant Classification Sherloc (09022015). Collection method: clinical testing. Allele origin: germline.
Comment: This sequence change replaces phenylalanine, which is neutral and non-polar, with leucine, which is neutral and non-polar, at codon 119 of the KCNE2 protein (p.Phe119Leu). This variant is present in population databases (rs139202426, gnomAD 0.003%). This variant has not been reported in the literature in individuals affected with KCNE2-related conditions. ClinVar contains an entry for this variant (Variation ID: 191467). An algorithm developed to predict the effect of missense changes on protein structure and function outputs the following: PolyPhen-2: "Benign". The leucine amino acid residue is found in multiple mammalian species, which suggests that this missense change does not adversely affect protein function. In summary, the available evidence is currently insufficient to determine the role of this variant in disease. Therefore, it has been classified as a Variant of Uncertain Significance.

Ambry Genetics
Classification: Uncertain significance for Cardiovascular phenotype. Last evaluated: 2023-02-12. Review status: criteria provided, single submitter. Criteria: Ambry Variant Classification Scheme 2023. Collection method: clinical testing. Allele origin: germline.
Comment: The p.F119L variant (also known as c.357C>A), located in coding exon 1 of the KCNE2 gene, results from a C to A substitution at nucleotide position 357. The phenylalanine at codon 119 is replaced by leucine, an amino acid with highly similar properties. This alteration has been reported in a hypertrophic cardiomyopathy (HCM) cohort; however, clinical details were limited (Lopes LR et al. Heart, 2015 Feb;101:294-301). Additionally, this alteration has been reported as a secondary cardiac variant in an exome cohort; however, clinical details are limited (Ng D et al. Circ Cardiovasc Genet, 2013 Aug;6:337-46). This amino acid position is not well conserved in available vertebrate species, and leucine is the reference amino acid in other vertebrate species. In addition, this alteration is predicted to be tolerated by in silico analysis. Since supporting evidence is limited at this time, the clinical significance of this alteration remains unclear.

Blueprint Genetics
Classification: Likely benign. Last evaluated: 2021-12-01. Review status: criteria provided, single submitter. Criteria: ACMG Guidelines, 2015. Collection method: clinical testing. Allele origin: germline.

Biesecker Lab/Clinical Genomics Section, National Institutes of Health
Classification: Uncertain significance. Last evaluated: 2013-06-24. Review status: criteria provided, single submitter. Criteria: Ng et al. (Circ Cardiovasc Genet. 2013). Collection method: research. Allele origin: unknown. Observed: 1 variant allele. Study: ClinSeq.
Comment: The study set was not selected for affection status in relation to any cancer. Pathogenicity categories were based on literature curation. See Pubmed ID:23861362 for details.

Medical sequencing

Literature cited by the submitters: PubMed 23861362 (cited by Ambry Genetics); PubMed 25351510 (cited by Ambry Genetics).